The following is an entry in ClinVar:

ClinVar aggregate classification (germline): Uncertain significance (1 of 4 stars; one submission).

Submission:

Labcorp Genetics (formerly Invitae), Labcorp
Classification: Uncertain significance. Last evaluated: 2022-07-09. Review status: criteria provided, single submitter. Criteria: Invitae Variant Classification Sherloc (09022015). Collection method: clinical testing. Allele origin: germline.
Comment: In summary, the available evidence is currently insufficient to determine the role of this variant in disease. Therefore, it has been classified as a Variant of Uncertain Significance. Algorithms developed to predict the effect of missense changes on protein structure and function are either unavailable or do not agree on the potential impact of this missense change (SIFT: "Tolerated"; PolyPhen-2: "Probably Damaging"; Align-GVGD: "Class C0"). This sequence change replaces methionine, which is neutral and non-polar, with arginine, which is basic and polar, at codon 543 of the AHR protein (p.Met543Arg). This variant has not been reported in the literature in individuals affected with AHR-related conditions. This variant is not present in population databases (gnomAD no frequency). ClinVar contains an entry for this variant (Variation ID: 1465905).

NM_001621.5(AHR):c.1628T>G (p.Met543Arg)

Gene: AHR (aryl hydrocarbon receptor; plus strand). Cytogenetic location: 7p21.1.
Variant type: single nucleotide variant.
Coding change: c.1628T>G on transcript NM_001621.5 (MANE Select); coding-DNA position 1628, T replaced by G.
Protein change: p.Met543Arg; replaces methionine 543 with arginine.
Molecular consequence: missense variant.
Genome position (GRCh38, 1-based): chr7:17,339,453, T>G. VCF-style: chr7-17339453-T-G. GRCh37 (hg19) VCF-style: chr7-17379077-T-G.
Other names: short protein forms M543R.
Identifiers: ClinVar variation 1465905 (VCV001465905.6), dbSNP rs1782393843, ClinGen allele CA366894722.